The following is an entry in ClinVar:

ClinVar aggregate classification (germline): Likely pathogenic (1 of 4 stars; one submission).

Conditions:
Hereditary diffuse gastric adenocarcinoma (HDGC). Also called: DIFFUSE GASTRIC AND LOBULAR BREAST CANCER SYNDROME. Identifiers: Orphanet 26106, MedGen C1708349, MONDO:0007648, OMIM 137215.

Submission:

Myriad Genetics, Inc.
Classification: Likely pathogenic for Hereditary diffuse gastric adenocarcinoma. Last evaluated: 2023-06-08. Review status: criteria provided, single submitter. Criteria: Myriad Autosomal Dominant, Autosomal Recessive and X-Linked Classification Criteria (2023). Collection method: clinical testing. Allele origin: unknown.
Comment: This variant is considered likely pathogenic. This variant occurs within a consensus splice junction and is predicted to result in abnormal mRNA splicing of either an out-of-frame exon or an in-frame exon necessary for protein stability and/or normal function.

NM_004360.5(CDH1):c.139_163+18del

Gene: CDH1 (cadherin 1; plus strand). Cytogenetic location: 16q22.1.
Variant type: Deletion.
Coding change: c.139_163+18del on transcript NM_004360.5 (MANE Select); coding-DNA position 139 through 18 bases into the intron after coding-DNA position 163, 43 bases deleted.
Molecular consequence: splice donor variant.
Genome position (GRCh38, 1-based): chr16:68,738,387-68,738,429, 43 bases deleted; deleting any 43 consecutive bases within chr16:68,738,386-68,738,429 gives the same sequence; the c. name uses the placement nearest the transcript's 3' end. GRCh37 (hg19): chr16:68,772,290-68,772,332.
Other names: c.-1477_-1453+18del (NM_001317185.2); c.-1681_-1657+18del (NM_001317186.2); c.139_163+18del (NM_001317184.2).
Identifiers: ClinVar variation 2583683 (VCV002583683.2), dbSNP rs2543817165, ClinGen allele CA2582342546.